The following is an entry in ClinVar:

ClinVar aggregate classification (germline): Uncertain significance (1 of 4 stars; one submission).

Conditions:
Autosomal recessive mendelian susceptibility to mycobacterial diseases due to complete RORgamma receptor deficiency. Also called: Immunodeficiency 42. Identifiers: Orphanet 477857, MedGen C5567647, MONDO:0014710, OMIM 616622.

Allele frequency attached by ClinVar (database versions not stated): TOPMed below 0.00001; gnomAD exomes 0.00001.
gnomAD v4.1: 13 of 1,614,178 alleles (0.00081%); highest among the groups gnomAD compares: East Asian, 0.0045%; no homozygotes.

Submission:

Labcorp Genetics (formerly Invitae), Labcorp
Classification: Uncertain significance for Autosomal recessive mendelian susceptibility to mycobacterial diseases due to complete RORgamma receptor deficiency. Last evaluated: 2022-03-26. Review status: criteria provided, single submitter. Criteria: Invitae Variant Classification Sherloc (09022015). Collection method: clinical testing. Allele origin: germline.
Comment: Algorithms developed to predict the effect of missense changes on protein structure and function (SIFT, PolyPhen-2, Align-GVGD) all suggest that this variant is likely to be tolerated. This sequence change replaces glutamic acid, which is acidic and polar, with lysine, which is basic and polar, at codon 511 of the RORC protein (p.Glu511Lys). This variant is present in population databases (no rsID available, gnomAD 0.003%). This variant has not been reported in the literature in individuals affected with RORC-related conditions. In summary, the available evidence is currently insufficient to determine the role of this variant in disease. Therefore, it has been classified as a Variant of Uncertain Significance.

NM_005060.4(RORC):c.1531G>A (p.Glu511Lys)

Gene: RORC (RAR related orphan receptor C; minus strand). Cytogenetic location: 1q21.3.
Variant type: single nucleotide variant.
Coding change: c.1531G>A on transcript NM_005060.4 (MANE Select); coding-DNA position 1531, G replaced by A.
Protein change: p.Glu511Lys; replaces glutamic acid 511 with lysine.
Molecular consequence: missense variant.
Genome position (GRCh38, 1-based): chr1:151,807,498, C>T on the plus strand (G>A on the coding strand, the complement: RORC is on the minus strand). VCF-style: chr1-151807498-C-T. GRCh37 (hg19) VCF-style: chr1-151779974-C-T.
Other names: c.1468G>A, p.Glu490Lys (NM_001001523.2); short protein forms E490K, E511K.
Identifiers: ClinVar variation 2117041 (VCV002117041.4), dbSNP rs1469359718, ClinGen allele CA342007656.